The following is an entry in ClinVar:

NM_000155.4(GALT):c.715T>C (p.Trp239Arg)

Gene: GALT (galactose-1-phosphate uridylyltransferase; plus strand). Cytogenetic location: 9p13.3.
Variant type: single nucleotide variant.
Coding change: c.715T>C on transcript NM_000155.4 (MANE Select); coding-DNA position 715, T replaced by C.
Protein change: p.Trp239Arg; replaces tryptophan 239 with arginine.
Molecular consequence: missense variant.
Genome position (GRCh38, 1-based): chr9:34,648,789, T>C. VCF-style: chr9-34648789-T-C. GRCh37 (hg19) VCF-style: chr9-34648786-T-C.
Other names: c.388T>C, p.Trp130Arg (NM_001258332.2); short protein forms W239R, W130R.
Identifiers: ClinVar variation 495680 (VCV000495680.2), dbSNP rs1336294207, ClinGen allele CA373283490.

ClinVar aggregate classification (germline): Uncertain significance. Review status: criteria provided, single submitter (1 of 4 stars). 2 submissions from 2 submitters: Uncertain significance (1). 1 of the submissions does not count toward it. Last evaluated 2017-07-11.

Conditions:
Galactosemia. Also called: Galactose intolerance. Identifiers: Orphanet 352, MedGen C0016952, MONDO:0018116, HP:0004919. Disease mechanism: loss of function.

Allele frequency attached by ClinVar (database versions not stated): TOPMed 0.00001.

Submissions (2):

Women's Health and Genetics/Laboratory Corporation of America, LabCorp
Classification: Uncertain significance. Last evaluated: 2017-07-11. Review status: criteria provided, single submitter. Criteria: LabCorp Variant Classification Summary - May 2015. Collection method: clinical testing. Allele origin: germline.
Comment: Variant summary: The c.715T>C (p.Trp239Arg) in GALT gene is a missense variant involves a conserved nucleotide and 4/4 in silico tools predict deleterious outcome, however no functional studies supporting deleterious outcome of this alteration on the protein function have been published at the time of evaluation. The variant is absent from the control population datasets of ExAC and gnomAD (~121084 and 245540 chrs tested, respectively). To our knowledge, the variant has not been reported in affected individuals via published reports nor has it been cited by reputable databases/clinical laboratories. Taken together, the variant was classified as VUS, until new information becomes available.

Natera, Inc.
Classification: Uncertain significance for Galactosemia. Last evaluated: 2020-04-13. Review status: no assertion criteria provided. Collection method: clinical testing. Allele origin: germline. Not counted in ClinVar's aggregate classification.